The following is an entry in ClinVar:

ClinVar aggregate classification (germline): Conflicting classifications of pathogenicity. Review status: criteria provided, conflicting classifications (1 of 4 stars). 10 submissions from 10 submitters: Uncertain significance (6); Likely benign (4). Last evaluated 2026-01-20.

Conditions:
CNTNAP2-related disorder. Also called: CNTNAP2-related condition.
Inborn genetic diseases. Identifiers: MedGen C0950123, MeSH D030342.
Autism, susceptibility to, 15. Also called: Autism susceptibility 15. Identifiers: MedGen C2677504, MONDO:0012801, OMIM 612100.
Cortical dysplasia-focal epilepsy syndrome (PTHSL1). Also called: Pitt-Hopkins-like syndrome 1. Identifiers: Orphanet 163681, Orphanet 221150, MedGen C2750246, MONDO:0012400, OMIM 610042.

Allele frequency attached by ClinVar (database versions not stated): gnomAD 0.00005 and 0.00006; gnomAD exomes 0.00011 and 0.00041; TOPMed 0.00014; 1000 Genomes Project 0.00040; ExAC 0.00040; 1000 Genomes Project 30x 0.00047.
gnomAD v4.1: 162 of 1,614,078 alleles (0.01%); highest among the groups gnomAD compares: Admixed American, 0.16%; no homozygotes.

Submissions (10):

Labcorp Genetics (formerly Invitae), Labcorp
Classification: Likely benign for Cortical dysplasia-focal epilepsy syndrome. Last evaluated: 2026-01-20. Review status: criteria provided, single submitter. Criteria: Invitae Variant Classification Sherloc (09022015). Collection method: clinical testing. Allele origin: germline.

Women's Health and Genetics/Laboratory Corporation of America, LabCorp
Classification: Likely benign. Last evaluated: 2025-05-30. Review status: criteria provided, single submitter. Criteria: LabCorp Variant Classification Summary - May 2015. Collection method: clinical testing. Allele origin: germline.
Comment: Variant summary: CNTNAP2 c.341G>A (p.Arg114Gln) results in a conservative amino acid change in the encoded protein sequence. Algorithms developed to predict the effect of missense changes on protein structure and function are either unavailable or do not agree on the potential impact of this missense change. The variant allele was found at a frequency of 0.00041 in 251404 control chromosomes, predominantly at a frequency of 0.0024 within the Latino subpopulation in the gnomAD database. The observed variant frequency within Latino control individuals in the gnomAD database exceeds the estimated maximal expected allele frequency for a pathogenic variant in CNTNAP2 causing Autism, Susceptibility To, 15 phenotype. To our knowledge, no occurrence of c.341G>A in individuals affected with Autism, Susceptibility To, 15 and no experimental evidence demonstrating its impact on protein function have been reported. ClinVar contains an entry for this variant (Variation ID: 196459). Based on the evidence outlined above, the variant was classified as likely benign.

PreventionGenetics, part of Exact Sciences
Classification: Likely benign for CNTNAP2-related condition. Last evaluated: 2025-01-02. Review status: criteria provided, single submitter. Criteria: ACMG Guidelines, 2015. Collection method: clinical testing. Allele origin: germline.
Comment: This variant is classified as likely benign based on ACMG/AMP sequence variant interpretation guidelines (Richards et al. 2015 PMID: 25741868, with internal and published modifications).

GeneDx
Classification: Uncertain significance. Last evaluated: 2024-06-24. Review status: criteria provided, single submitter. Criteria: GeneDx Variant Classification Process June 2021. Collection method: clinical testing. Allele origin: germline. Affected: yes.
Comment: Identified in a control individual for an ASD cohort and was not predicted to be deleterious; however, additional information regarding the zygosity of the variant or the phenotype of the individual was not provided (PMID: 18179895); In silico analysis indicates that this missense variant does not alter protein structure/function; This variant is associated with the following publications: (PMID: 18179895)

Blueprint Genetics
Classification: Uncertain significance. Last evaluated: 2023-01-12. Review status: criteria provided, single submitter. Criteria: ACMG Guidelines, 2015. Collection method: clinical testing. Allele origin: germline.

Mayo Clinic Laboratories, Mayo Clinic
Classification: Uncertain significance. Last evaluated: 2021-01-08. Review status: criteria provided, single submitter. Criteria: ACMG Guidelines, 2015. Collection method: clinical testing. Allele origin: germline. Observed: 1 variant allele.

Ambry Genetics
Classification: Uncertain significance for Inborn genetic diseases. Last evaluated: 2019-03-19. Review status: criteria provided, single submitter. Criteria: Ambry Variant Classification Scheme 2023. Collection method: clinical testing. Allele origin: germline.
Comment: The p.R114Q variant (also known as c.341G>A), located in coding exon 3 of the CNTNAP2 gene, results from a G to A substitution at nucleotide position 341. The arginine at codon 114 is replaced by glutamine, an amino acid with highly similar properties. In resequencing of CNTNAP2 in 635 individuals with autism spectrum disorder and 942 controls, this variant was found only in the controls (Bakkaloglu B et al. Am. J. Hum. Genet., 2008 Jan;82:165-73). This amino acid position is well conserved in available vertebrate species. In addition, the in silico prediction for this alteration is inconclusive. Since supporting evidence is limited at this time, the clinical significance of this variant remains unclear.

Illumina Laboratory Services, Illumina
Classification: Likely benign for Cortical dysplasia-focal epilepsy syndrome. Last evaluated: 2018-01-13. Review status: criteria provided, single submitter. Criteria: ICSL Variant Classification Criteria 13 December 2019. Collection method: clinical testing. Allele origin: germline.
Comment: This variant was observed in the ICSL laboratory as part of a predisposition screen in an ostensibly healthy population. It had not been previously curated by ICSL or reported in the Human Gene Mutation Database (HGMD: prior to June 1st, 2018), and was therefore a candidate for classification through an automated scoring system. Utilizing variant allele frequency, disease prevalence and penetrance estimates, and inheritance mode, an automated score was calculated to assess if this variant is too frequent to cause the disease. Based on the score and internal cut-off values, a variant classified as likely benign is not then subjected to further curation. The score for this variant resulted in a classification of likely benign for this disease.

Fulgent Genetics
Classification: Uncertain significance for Cortical dysplasia-focal epilepsy syndrome; Autism, susceptibility to, 15. Last evaluated: 2017-05-23. Review status: criteria provided, single submitter. Criteria: ACMG Guidelines, 2015. Collection method: clinical testing. Allele origin: unknown.

Eurofins Ntd Llc (ga)
Classification: Uncertain significance. Last evaluated: 2015-04-02. Review status: criteria provided, single submitter. Criteria: EGL Classification Definitions 2015. Collection method: clinical testing. Allele origin: germline. Observed: 2 variant alleles, 2 heterozygotes.

Literature cited by the submitters: PubMed 18179895 (cited by Ambry Genetics).

NM_014141.6(CNTNAP2):c.341G>A (p.Arg114Gln)

Gene: CNTNAP2 (contactin associated protein 2; plus strand). Cytogenetic location: 7q35.
Variant type: single nucleotide variant.
Coding change: c.341G>A on transcript NM_014141.6 (MANE Select); coding-DNA position 341, G replaced by A.
Protein change: p.Arg114Gln; replaces arginine 114 with glutamine.
Molecular consequence: missense variant.
Genome position (GRCh38, 1-based): chr7:146,839,843, G>A. VCF-style: chr7-146839843-G-A. GRCh37 (hg19) VCF-style: chr7-146536935-G-A.
Other names: p.R114Q:CGG>CAG; short protein forms R114Q.
Identifiers: ClinVar variation 196459 (VCV000196459.33), dbSNP rs189731792, ClinGen allele CA243412.